The following is an entry in ClinVar:

ClinVar aggregate classification (germline): Uncertain significance (1 of 4 stars; one submission).

Allele frequency attached by ClinVar (database versions not stated): gnomAD exomes below 0.00001.
gnomAD v4.1: 1 of 1,614,166 alleles (0.000062%); highest among the groups gnomAD compares: South Asian, 0.0011%; no homozygotes.

Submission:

Mayo Clinic Laboratories, Mayo Clinic
Classification: Uncertain significance. Last evaluated: 2023-05-02. Review status: criteria provided, single submitter. Criteria: ACMG Guidelines, 2015. Collection method: clinical testing. Allele origin: germline. Observed: 1 variant allele.
Comment: PM2

NM_014324.6(AMACR):c.983C>T (p.Ala328Val)

Genes: AMACR (alpha-methylacyl-CoA racemase; minus strand), C1QTNF3-AMACR (C1QTNF3-AMACR readthrough (NMD candidate); minus strand). Cytogenetic location: 5p13.2.
Variant type: single nucleotide variant.
Coding change: c.983C>T on transcript NM_014324.6 (MANE Select); coding-DNA position 983, C replaced by T.
Protein change: p.Ala328Val; replaces alanine 328 with valine.
Molecular consequence: missense variant. On other transcripts: non-coding transcript variant (1), 3 prime UTR variant (1).
Genome position (GRCh38, 1-based): chr5:33,989,259, G>A on the plus strand (C>T on the coding strand, the complement: AMACR is on the minus strand). VCF-style: chr5-33989259-G-A. GRCh37 (hg19) VCF-style: chr5-33989364-G-A.
Other names: p.Ala328Val; c.983C>T, p.Ala328Val (NM_001167595.2); c.*225C>T (NM_203382.3); short protein forms A328V.
Identifiers: ClinVar variation 2682883 (VCV002682883.1), dbSNP rs2478951832, ClinGen allele CA359398882.
Genomic context (GRCh38, chr5:33,989,259, plus strand): 5'-TCTCCTATGAAAGGATCCCTTTTGAAAGAAGGGATGGCTGGGGTGTTTAACAGCAGAGGT[G>A]CAGGGCGGGGGCTCACGTCCTGCTCCTCACTGGTGATAAACGAGCCCCGTTCCTTGTTGT-3'
Protein context (NP_055139.4, residues 318-338): SEEQDVSPRP[Ala328Val]PLLLNTPAIP